The following is an entry in ClinVar:

NM_001042492.3(NF1):c.4030G>A (p.Glu1344Lys)

Gene: NF1 (neurofibromin 1; plus strand). Cytogenetic location: 17q11.2.
Variant type: single nucleotide variant.
Coding change: c.4030G>A on transcript NM_001042492.3 (MANE Select); coding-DNA position 4030, G replaced by A.
Protein change: p.Glu1344Lys; replaces glutamic acid 1344 with lysine.
Molecular consequence: missense variant.
Genome position (GRCh38, 1-based): chr17:31,249,039, G>A. VCF-style: chr17-31249039-G-A. GRCh37 (hg19) VCF-style: chr17-29576057-G-A.
Other names: c.4030G>A, p.Glu1344Lys (NM_000267.4); short protein forms E1344K.
Identifiers: ClinVar variation 1737206 (VCV001737206.3), dbSNP rs1555617328, ClinGen allele CA398994925.

ClinVar aggregate classification (germline): Uncertain significance (1 of 4 stars; one submission).

Conditions:
Hereditary cancer-predisposing syndrome. Also called: Neoplastic Syndromes, Hereditary; Tumor predisposition; Hereditary Cancer Syndrome; Hereditary neoplastic syndrome. Identifiers: Orphanet 140162, MedGen C0027672, MeSH D009386, MONDO:0015356.
Cardiovascular phenotype. Identifiers: MedGen CN230736.

Allele frequency attached by ClinVar (database versions not stated): gnomAD exomes below 0.00001.
gnomAD v4.1: 1 of 1,614,064 alleles (0.000062%); highest among the groups gnomAD compares: Non-Finnish European, 0.000085%; no homozygotes.

Submission:

Ambry Genetics
Classification: Uncertain significance for Cardiovascular phenotype; Hereditary cancer-predisposing syndrome. Last evaluated: 2025-05-14. Review status: criteria provided, single submitter. Criteria: Ambry Variant Classification Scheme 2023. Collection method: clinical testing. Allele origin: germline.
Comment: The p.E1344K variant (also known as c.4030G>A), located in coding exon 30 of the NF1 gene, results from a G to A substitution at nucleotide position 4030. The glutamic acid at codon 1344 is replaced by lysine, an amino acid with similar properties. This amino acid position is well conserved in available vertebrate species. In addition, the in silico prediction for this alteration is inconclusive. Since supporting evidence is limited at this time, the clinical significance of this alteration remains unclear.